The following is an entry in ClinVar:

ClinVar aggregate classification (germline): Uncertain significance. Review status: criteria provided, multiple submitters, no conflicts (2 of 4 stars). 5 submissions from 5 submitters: Uncertain significance (5). Last evaluated 2024-11-05.

Conditions:
Spermatogenic failure 28. Identifiers: MedGen C4748117, MONDO:0054732, OMIM 618086.
Premature ovarian failure 15. Identifiers: MedGen C4748170, MONDO:0054862, OMIM 618096.
Fanconi anemia (FA). Also called: Fanconi's anemia. Identifiers: Orphanet 84, MedGen C0015625, MeSH D005199, MONDO:0019391.

Allele frequency attached by ClinVar (database versions not stated): gnomAD exomes 0.00004; ExAC 0.00006; gnomAD 0.00008 and 0.00009; TOPMed 0.00010; 1000 Genomes Project 30x 0.00031; 1000 Genomes Project 0.00040.
gnomAD v4.1: 80 of 1,592,140 alleles (0.005%); highest among the groups gnomAD compares: African/African-American, 0.023%; no homozygotes.

Submissions (5):

Quest Diagnostics Nichols Institute San Juan Capistrano
Classification: Uncertain significance. Last evaluated: 2024-11-05. Review status: criteria provided, single submitter. Criteria: Quest Diagnostics criteria. Collection method: clinical testing. Allele origin: unknown.
Comment: The FANCM c.4523C>G (p.Ala1508Gly) variant has been identified in the published literature in reportedly healthy individuals (PMID: 36707629 (2023), 33471991 (2021), see also LOVD). The frequency of this variant in the general population, 0.00029 (7/24540 chromosomes (Genome Aggregation Database)), is uninformative in the assessment of its pathogenicity. Analysis of this variant using bioinformatics tools for the prediction of the effect of amino acid changes on protein structure and function yielded predictions that this variant is benign. Based on the available information, we are unable to determine the clinical significance of this variant.

Labcorp Genetics (formerly Invitae), Labcorp
Classification: Uncertain significance for Fanconi anemia. Last evaluated: 2024-04-29. Review status: criteria provided, single submitter. Criteria: Invitae Variant Classification Sherloc (09022015). Collection method: clinical testing. Allele origin: germline.
Comment: This sequence change replaces alanine, which is neutral and non-polar, with glycine, which is neutral and non-polar, at codon 1508 of the FANCM protein (p.Ala1508Gly). This variant is present in population databases (rs561723791, gnomAD 0.03%). This variant has not been reported in the literature in individuals affected with FANCM-related conditions. ClinVar contains an entry for this variant (Variation ID: 435171). Algorithms developed to predict the effect of missense changes on protein structure and function output the following: SIFT: "Not Available"; PolyPhen-2: "Benign"; Align-GVGD: "Not Available". The glycine amino acid residue is found in multiple mammalian species, which suggests that this missense change does not adversely affect protein function. In summary, the available evidence is currently insufficient to determine the role of this variant in disease. Therefore, it has been classified as a Variant of Uncertain Significance.

GeneDx
Classification: Uncertain significance. Last evaluated: 2022-10-06. Review status: criteria provided, single submitter. Criteria: GeneDx Variant Classification Process June 2021. Collection method: clinical testing. Allele origin: germline. Affected: yes.
Comment: Observed in unaffected individuals in an ovarian cancer case-control study (Dicks et al., 2017); In silico analysis supports that this missense variant does not alter protein structure/function; This variant is associated with the following publications: (PMID: 28881617)

Fulgent Genetics
Classification: Uncertain significance for Spermatogenic failure 28; Premature ovarian failure 15. Last evaluated: 2022-05-11. Review status: criteria provided, single submitter. Criteria: ACMG Guidelines, 2015. Collection method: clinical testing. Allele origin: unknown.

Genetic Services Laboratory, University of Chicago
Classification: Uncertain significance. Last evaluated: 2016-01-21. Review status: criteria provided, single submitter. Criteria: ACMG Guidelines, 2015. Collection method: clinical testing. Allele origin: germline. Affected: no.

Literature cited by the submitters: PubMed 33471991 (cited by Quest Diagnostics Nichols Institute San Juan Capistrano); PubMed 36707629 (cited by Quest Diagnostics Nichols Institute San Juan Capistrano).

NM_020937.4(FANCM):c.4523C>G (p.Ala1508Gly)

Gene: FANCM (FA complementation group M; plus strand). Cytogenetic location: 14q21.2.
Variant type: single nucleotide variant.
Coding change: c.4523C>G on transcript NM_020937.4 (MANE Select); coding-DNA position 4523, C replaced by G.
Protein change: p.Ala1508Gly; replaces alanine 1508 with glycine.
Molecular consequence: missense variant.
Genome position (GRCh38, 1-based): chr14:45,185,224, C>G. VCF-style: chr14-45185224-C-G. GRCh37 (hg19) VCF-style: chr14-45654427-C-G.
Other names: c.4523C>G (LRG_502t1, NM_020937.3); c.4445C>G, p.Ala1482Gly (NM_001308133.2); short protein forms A1508G, A1482G.
Identifiers: ClinVar variation 435171 (VCV000435171.19), dbSNP rs561723791, ClinGen allele CA7169785.